The following is an entry in ClinVar:

ClinVar aggregate classification (germline): Uncertain significance (1 of 4 stars; one submission).

Submission:

GeneDx
Classification: Uncertain significance. Last evaluated: 2022-03-07. Review status: criteria provided, single submitter. Criteria: GeneDx Variant Classification Process June 2021. Collection method: clinical testing. Allele origin: germline. Affected: yes.
Comment: Not observed at significant frequency in large population cohorts (gnomAD); Nonsense variant predicted to result in protein truncation as the last 289 amino acids are lost, although loss-of-function variants have not been reported downstream of this position in the protein; Has not been previously published as pathogenic or benign to our knowledge

NM_178014.4(TUBB):c.466C>T (p.Arg156Ter)

Gene: TUBB (tubulin beta class I; plus strand). Cytogenetic location: 6p21.33.
Variant type: single nucleotide variant.
Coding change: c.466C>T on transcript NM_178014.4 (MANE Select); coding-DNA position 466, C replaced by T.
Protein change: p.Arg156Ter; replaces arginine 156 with a stop codon.
Molecular consequence: nonsense. On other transcripts: intron variant (1).
Genome position (GRCh38, 1-based): chr6:30,723,528, C>T. VCF-style: chr6-30723528-C-T. GRCh37 (hg19) VCF-style: chr6-30691305-C-T.
Other names: c.526C>T, p.Arg176Ter (NM_001293212.2); c.334C>T, p.Arg112Ter (NM_001293214.2); c.250C>T, p.Arg84Ter (NM_001293215.2, NM_001293216.2); c.369+97C>T (NM_001293213.2); short protein forms R112*, R156*, R176*, R84*.
Identifiers: ClinVar variation 1704937 (VCV001704937.2), dbSNP rs1208752776, ClinGen allele CA363145752.